The following is an entry in ClinVar:

ClinVar aggregate classification (germline): Likely benign. Review status: criteria provided, multiple submitters, no conflicts (2 of 4 stars). 2 submissions from 2 submitters: Likely benign (2). Last evaluated 2018-06-14.

Allele frequency attached by ClinVar (database versions not stated): gnomAD exomes 0.00062; 1000 Genomes Project 0.00499; gnomAD 0.00507 and 0.00546; 1000 Genomes Project 30x 0.00547; TOPMed 0.00577.
gnomAD v4.1: 1,008 of 519,100 alleles (0.19%); highest among the groups gnomAD compares: African/African-American, 1.8%; 10 homozygotes.

Submissions (2):

GeneDx
Classification: Likely benign. Last evaluated: 2018-06-14. Review status: criteria provided, single submitter. Criteria: GeneDx Variant Classification (06012015). Collection method: clinical testing. Allele origin: germline. Affected: yes.
Comment: This variant is considered likely benign or benign based on one or more of the following criteria: it is a conservative change, it occurs at a poorly conserved position in the protein, it is predicted to be benign by multiple in silico algorithms, and/or has population frequency not consistent with disease.

Breakthrough Genomics
Classification: Likely benign. Review status: criteria provided, single submitter. Criteria: ACMG Guidelines, 2015. Collection method: not provided. Allele origin: germline. Inheritance: Autosomal dominant inheritance. Affected: yes.

NM_000093.5(COL5A1):c.3367-281C>T

Gene: COL5A1 (collagen type V alpha 1 chain; plus strand). Cytogenetic location: 9q34.3.
Variant type: single nucleotide variant.
Coding change: c.3367-281C>T on transcript NM_000093.5 (MANE Select); 281 bases into the intron before coding-DNA position 3367, C replaced by T.
Molecular consequence: intron variant.
Genome position (GRCh38, 1-based): chr9:134,808,902, C>T. VCF-style: chr9-134808902-C-T. GRCh37 (hg19) VCF-style: chr9-137700748-C-T.
Other names: c.3367-281C>T (NM_001278074.1).
Identifiers: ClinVar variation 672948 (VCV000672948.2), dbSNP rs188531160, ClinGen allele CA201084931.
Genomic context (GRCh38, chr9:134,808,902, plus strand): 5'-CTTAGACAATCCACATACAGGCTCAAGAATTTGGCCGGCTGGATTTGGATCCTGTCTCTA[C>T]TGCTCACTAACTGTGCCTCAGTTTCCCCATCTGTAAAAGAGCAGCCTTTCCTAGGATGAG-3'